The following is an entry in ClinVar:

ClinVar aggregate classification (germline): Uncertain significance (1 of 4 stars; one submission).

Conditions:
Parkinsonism-dystonia, infantile. Identifiers: Orphanet 238455, MedGen C2751067, MONDO:0013150.

Allele frequency attached by ClinVar (database versions not stated): gnomAD exomes below 0.00001; gnomAD 0.00001.

Submission:

Labcorp Genetics (formerly Invitae), Labcorp
Classification: Uncertain significance for Parkinsonism-dystonia, infantile. Last evaluated: 2025-06-02. Review status: criteria provided, single submitter. Criteria: Invitae Variant Classification Sherloc (09022015). Collection method: clinical testing. Allele origin: germline.
Comment: This sequence change replaces glycine, which is neutral and non-polar, with serine, which is neutral and polar, at codon 153 of the SLC6A3 protein (p.Gly153Ser). This variant is present in population databases (no rsID available, gnomAD 0.01%). This variant has not been reported in the literature in individuals affected with SLC6A3-related conditions. ClinVar contains an entry for this variant (Variation ID: 1982964). Invitae Evidence Modeling of protein sequence and biophysical properties (such as structural, functional, and spatial information, amino acid conservation, physicochemical variation, residue mobility, and thermodynamic stability) indicates that this missense variant is not expected to disrupt SLC6A3 protein function with a negative predictive value of 80%. Algorithms developed to predict the effect of sequence changes on RNA splicing suggest that this variant may create or strengthen a splice site. In summary, the available evidence is currently insufficient to determine the role of this variant in disease. Therefore, it has been classified as a Variant of Uncertain Significance.

NM_001044.5(SLC6A3):c.457G>A (p.Gly153Ser)

Gene: SLC6A3 (solute carrier family 6 member 3). Cytogenetic location: 5p15.33.
Variant type: single nucleotide variant.
Coding change: c.457G>A on transcript NM_001044.5 (MANE Select); coding-DNA position 457, G replaced by A.
Protein change: p.Gly153Ser; replaces glycine 153 with serine.
Molecular consequence: missense variant.
Genome position (GRCh38, 1-based): chr5:1,432,660, C>T on the plus strand (G>A on the coding strand, the complement: SLC6A3 is on the minus strand). VCF-style: chr5-1432660-C-T. GRCh37 (hg19) VCF-style: chr5-1432775-C-T.
Other names: short protein forms G153S.
Identifiers: ClinVar variation 1982964 (VCV001982964.3), dbSNP rs1261024108, ClinGen allele CA359061139.